The following is an entry in ClinVar:

ClinVar aggregate classification (germline): Uncertain significance (1 of 4 stars; one submission).

Allele frequency attached by ClinVar (database versions not stated): ExAC 0.00001; gnomAD 0.00001; gnomAD exomes 0.00001 and 0.00002.
gnomAD v4.1: 4 of 1,613,934 alleles (0.00025%); highest among the groups gnomAD compares: Admixed American, 0.0067%; no homozygotes.

Submission:

Labcorp Genetics (formerly Invitae), Labcorp
Classification: Uncertain significance. Last evaluated: 2024-12-09. Review status: criteria provided, single submitter. Criteria: Invitae Variant Classification Sherloc (09022015). Collection method: clinical testing. Allele origin: germline.
Comment: This sequence change replaces methionine, which is neutral and non-polar, with valine, which is neutral and non-polar, at codon 403 of the CNGA1 protein (p.Met403Val). This variant is present in population databases (rs777818344, gnomAD 0.01%). This variant has not been reported in the literature in individuals affected with CNGA1-related conditions. ClinVar contains an entry for this variant (Variation ID: 1003403). Invitae Evidence Modeling of protein sequence and biophysical properties (such as structural, functional, and spatial information, amino acid conservation, physicochemical variation, residue mobility, and thermodynamic stability) indicates that this missense variant is not expected to disrupt CNGA1 protein function with a negative predictive value of 80%. In summary, the available evidence is currently insufficient to determine the role of this variant in disease. Therefore, it has been classified as a Variant of Uncertain Significance.

NM_001379270.1(CNGA1):c.1195A>G (p.Met399Val)

Genes: CNGA1 (cyclic nucleotide gated channel subunit alpha 1; minus strand), LOC101927157 (uncharacterized LOC101927157; plus strand). Cytogenetic location: 4p12.
Variant type: single nucleotide variant.
Coding change: c.1195A>G on transcript NM_001379270.1 (MANE Select); coding-DNA position 1195, A replaced by G.
Protein change: p.Met399Val; replaces methionine 399 with valine.
Molecular consequence: missense variant.
Genome position (GRCh38, 1-based): chr4:47,937,287, T>C on the plus strand (A>G on the coding strand, the complement: CNGA1 is on the minus strand). VCF-style: chr4-47937287-T-C. GRCh37 (hg19) VCF-style: chr4-47939304-T-C.
Other names: c.1195A>G, p.Met399Val (NM_000087.5, NM_001142564.2); short protein forms M399V.
Identifiers: ClinVar variation 1003403 (VCV001003403.8), dbSNP rs777818344, ClinGen allele CA2911114.